The following is an entry in ClinVar:

ClinVar aggregate classification (germline): Uncertain significance (1 of 4 stars; one submission).

Conditions:
Catecholaminergic polymorphic ventricular tachycardia 1. Also called: RYR2-Related Catecholaminergic Polymorphic Ventricular Tachycardia; VENTRICULAR TACHYCARDIA, CATECHOLAMINERGIC POLYMORPHIC, 1, WITH OR WITHOUT ATRIAL DYSFUNCTION AND/OR DILATED CARDIOMYOPATHY; VENTRICULAR TACHYCARDIA, STRESS-INDUCED POLYMORPHIC 1. Identifiers: Orphanet 3286, MedGen C1631597, MONDO:0011484, OMIM 604772.

gnomAD v4.1: 1 of 1,613,374 alleles (0.000062%); highest among the groups gnomAD compares: South Asian, 0.0011%; no homozygotes.

Submission:

MVZ Medizinische Genetik Mainz
Classification: Uncertain significance for Catecholaminergic polymorphic ventricular tachycardia 1. Last evaluated: 2024-06-10. Review status: criteria provided, single submitter. Criteria: UK Practice Guidelines For Variant Classification V4 01 2020. Collection method: clinical testing. Allele origin: germline. Inheritance: Autosomal dominant inheritance. Affected: yes. Observed: 1 variant allele.
Comment: ACMG Criteria: PP3_MOD,PM2_SUP

NM_001035.3(RYR2):c.4799C>A (p.Pro1600His)

Gene: RYR2 (ryanodine receptor 2; plus strand). Cytogenetic location: 1q43.
Variant type: single nucleotide variant.
Coding change: c.4799C>A on transcript NM_001035.3 (MANE Select); coding-DNA position 4799, C replaced by A.
Protein change: p.Pro1600His; replaces proline 1600 with histidine.
Molecular consequence: missense variant.
Genome position (GRCh38, 1-based): chr1:237,610,877, C>A. VCF-style: chr1-237610877-C-A. GRCh37 (hg19) VCF-style: chr1-237774177-C-A.
Other names: short protein forms P1600H.
Identifiers: ClinVar variation 3256883 (VCV003256883.1).